The following is an entry in ClinVar:

ClinVar aggregate classification (germline): Uncertain significance. Review status: criteria provided, multiple submitters, no conflicts (2 of 4 stars). 3 submissions from 3 submitters: Uncertain significance (3). Last evaluated 2022-11-10.

Conditions:
Loeys-Dietz syndrome 4 (LDS4). Also called: TGFB2-Related Loeys-Dietz Syndrome; ANEURYSM, AORTIC AND CEREBRAL, WITH ARTERIAL TORTUOSITY AND SKELETAL MANIFESTATIONS. Identifiers: MedGen C3553762, MONDO:0013897, OMIM 614816.

Allele frequency attached by ClinVar (database versions not stated): gnomAD exomes below 0.00001; gnomAD 0.00001; TOPMed 0.00001.
gnomAD v4.1: 9 of 1,613,580 alleles (0.00056%); highest among the groups gnomAD compares: East Asian, 0.0045%; no homozygotes.

Submissions (3):

GeneDx
Classification: Uncertain significance. Last evaluated: 2022-11-10. Review status: criteria provided, single submitter. Criteria: GeneDx Variant Classification Process June 2021. Collection method: clinical testing. Allele origin: germline. Affected: yes.
Comment: Not observed at significant frequency in large population cohorts (gnomAD); In silico analysis supports that this missense variant has a deleterious effect on protein structure/function; Has not been previously published as pathogenic or benign to our knowledge

CeGaT Center for Human Genetics Tuebingen
Classification: Uncertain significance. Last evaluated: 2018-08-01. Review status: criteria provided, single submitter. Criteria: CeGaT Center For Human Genetics Tuebingen Variant Classification Criteria Version 2. Collection method: clinical testing. Allele origin: germline. Affected: yes. Observed: 1 variant allele.

Illumina Laboratory Services, Illumina
Classification: Uncertain significance for Loeys-Dietz syndrome 4. Last evaluated: 2018-01-13. Review status: criteria provided, single submitter. Criteria: ICSL Variant Classification Criteria 13 December 2019. Collection method: clinical testing. Allele origin: germline.

NM_003238.6(TGFB2):c.1181T>C (p.Ile394Thr)

Gene: TGFB2 (transforming growth factor beta 2; plus strand). Cytogenetic location: 1q41.
Variant type: single nucleotide variant.
Coding change: c.1181T>C on transcript NM_003238.6 (MANE Select); coding-DNA position 1181, T replaced by C.
Protein change: p.Ile394Thr; replaces isoleucine 394 with threonine.
Molecular consequence: missense variant. On other transcripts: non-coding transcript variant (2).
Genome position (GRCh38, 1-based): chr1:218,441,298, T>C. VCF-style: chr1-218441298-T-C. GRCh37 (hg19) VCF-style: chr1-218614640-T-C.
Other names: c.1265T>C, p.Ile422Thr (NM_001135599.4); c.1181T>C (NM_003238.3); short protein forms I394T, I422T.
Identifiers: ClinVar variation 295494 (VCV000295494.48), dbSNP rs886045980, ClinGen allele CA10609965.